The following is an entry in ClinVar:

NM_002641.4(PIGA):c.32A>G (p.His11Arg)

Gene: PIGA (phosphatidylinositol glycan anchor biosynthesis class A; minus strand). Cytogenetic location: Xp22.2.
Variant type: single nucleotide variant.
Coding change: c.32A>G on transcript NM_002641.4 (MANE Select); coding-DNA position 32, A replaced by G.
Protein change: p.His11Arg; replaces histidine 11 with arginine.
Molecular consequence: missense variant. On other transcripts: non-coding transcript variant (2), intron variant (1).
Genome position (GRCh38, 1-based): chrX:15,331,899, T>C on the plus strand (A>G on the coding strand, the complement: PIGA is on the minus strand). VCF-style: chrX-15331899-T-C. GRCh37 (hg19) VCF-style: chrX-15350021-T-C.
Other names: c.13+3602A>G (NM_020473.3); short protein forms H11R.
Identifiers: ClinVar variation 2660052 (VCV002660052.27), dbSNP rs748902332, ClinGen allele CA10354197.

ClinVar aggregate classification (germline): Conflicting classifications of pathogenicity. Review status: criteria provided, conflicting classifications (1 of 4 stars). 3 submissions from 3 submitters: Uncertain significance (2); Benign (1). Last evaluated 2025-06-12.

Conditions:
Inborn genetic diseases. Identifiers: MedGen C0950123, MeSH D030342.
Multiple congenital anomalies-hypotonia-seizures syndrome 2 (MCAHS2). Also called: EPILEPTIC ENCEPHALOPATHY, EARLY INFANTILE, 20; GLYCOSYLPHOSPHATIDYLINOSITOL BIOSYNTHESIS DEFECT 4. Identifiers: Orphanet 300496, MedGen C3275508, MONDO:0010466, OMIM 300868.

Allele frequency attached by ClinVar (database versions not stated): ExAC 0.00001; gnomAD 0.00001; gnomAD exomes 0.00002; TOPMed 0.00002.
gnomAD v4.1: 19 of 1,205,362 alleles (0.0016%); highest among the groups gnomAD compares: Middle Eastern, 0.023%; no homozygotes.

Submissions (3):

Ambry Genetics
Classification: Uncertain significance for Inborn genetic diseases. Last evaluated: 2025-06-12. Review status: criteria provided, single submitter. Criteria: Ambry Variant Classification Scheme 2023. Collection method: clinical testing. Allele origin: germline.

Labcorp Genetics (formerly Invitae), Labcorp
Classification: Benign for Multiple congenital anomalies-hypotonia-seizures syndrome 2. Last evaluated: 2024-09-06. Review status: criteria provided, single submitter. Criteria: Invitae Variant Classification Sherloc (09022015). Collection method: clinical testing. Allele origin: germline.

CeGaT Center for Human Genetics Tuebingen
Classification: Uncertain significance. Last evaluated: 2023-03-01. Review status: criteria provided, single submitter. Criteria: CeGaT Center For Human Genetics Tuebingen Variant Classification Criteria Version 2. Collection method: clinical testing. Allele origin: germline. Affected: yes. Observed: 1 variant allele.
Comment: PIGA: PM2, BP4